The following is an entry in ClinVar:

NM_172107.4(KCNQ2):c.1321G>A (p.Asp441Asn)

Gene: KCNQ2 (potassium voltage-gated channel subfamily Q member 2; minus strand). Cytogenetic location: 20q13.33.
Variant type: single nucleotide variant.
Coding change: c.1321G>A on transcript NM_172107.4 (MANE Select); coding-DNA position 1321, G replaced by A.
Protein change: p.Asp441Asn; replaces aspartic acid 441 with asparagine.
Molecular consequence: missense variant. On other transcripts: intron variant (1).
Genome position (GRCh38, 1-based): chr20:63,415,107, C>T on the plus strand (G>A on the coding strand, the complement: KCNQ2 is on the minus strand). VCF-style: chr20-63415107-C-T. GRCh37 (hg19) VCF-style: chr20-62046460-C-T.
Other names: c.1321G>A (NM_172107.2); c.1267G>A, p.Asp423Asn (NM_001382235.1, NM_172106.3); c.1237G>A, p.Asp413Asn (NM_004518.6); c.1248-17G>A (NM_172108.5); short protein forms D423N, D441N, D413N.
Identifiers: ClinVar variation 2155926 (VCV002155926.6), dbSNP rs766556903, ClinGen allele CA9958473.

ClinVar aggregate classification (germline): Uncertain significance. Review status: criteria provided, multiple submitters, no conflicts (2 of 4 stars). 2 submissions from 2 submitters: Uncertain significance (2). Last evaluated 2023-11-02.

Conditions:
Early-infantile DEE. Also called: Ohtahara syndrome; Early infantile epileptic encephalopathy with suppression bursts; Early infantile epileptic encephalopathy. Identifiers: Orphanet 1934, MedGen C0393706, MONDO:0800491.

Allele frequency attached by ClinVar (database versions not stated): ExAC 0.00003; gnomAD exomes 0.00003.
gnomAD v4.1: 16 of 1,601,004 alleles (0.001%); highest among the groups gnomAD compares: South Asian, 0.018%; no homozygotes.

Submissions (2):

Revvity Omics, Revvity
Classification: Uncertain significance. Last evaluated: 2023-11-02. Review status: criteria provided, single submitter. Criteria: ACMG Guidelines, 2015. Collection method: clinical testing. Allele origin: germline.

Labcorp Genetics (formerly Invitae), Labcorp
Classification: Uncertain significance for Early-infantile DEE. Last evaluated: 2022-11-25. Review status: criteria provided, single submitter. Criteria: Invitae Variant Classification Sherloc (09022015). Collection method: clinical testing. Allele origin: germline.
Comment: In summary, the available evidence is currently insufficient to determine the role of this variant in disease. Therefore, it has been classified as a Variant of Uncertain Significance. Algorithms developed to predict the effect of sequence changes on RNA splicing suggest that this variant may create or strengthen a splice site. Algorithms developed to predict the effect of missense changes on protein structure and function (SIFT, PolyPhen-2, Align-GVGD) all suggest that this variant is likely to be tolerated. This variant has not been reported in the literature in individuals affected with KCNQ2-related conditions. This variant is present in population databases (rs766556903, gnomAD 0.02%). This sequence change replaces aspartic acid, which is acidic and polar, with asparagine, which is neutral and polar, at codon 441 of the KCNQ2 protein (p.Asp441Asn).